The following is an entry in ClinVar:

NM_000341.4(SLC3A1):c.1853T>C (p.Met618Thr)

Genes: PREPL (prolyl endopeptidase like; minus strand), SLC3A1 (solute carrier family 3 member 1; plus strand). Cytogenetic location: 2p21.
Variant type: single nucleotide variant.
Coding change: c.1853T>C on transcript NM_000341.4 (MANE Select); coding-DNA position 1853, T replaced by C.
Protein change: p.Met618Thr; replaces methionine 618 with threonine.
Molecular consequence: missense variant. On other transcripts: 3 prime UTR variant (10).
Genome position (GRCh38, 1-based): chr2:44,320,434, T>C. VCF-style: chr2-44320434-T-C. GRCh37 (hg19) VCF-style: chr2-44547573-T-C.
Other names: c.*922A>G (NM_001042385.2, NM_001042386.2, NM_001171603.1 and 7 more transcripts); short protein forms M618T.
Identifiers: ClinVar variation 4526821 (VCV004526821.1).
Genomic context (GRCh38, chr2:44,320,434, plus strand): 5'-ATTTTGGAGAATCAACACTGTTAAATCTACATAATATGATTTCGGGCCTTCCCGCTAAAA[T>C]GAGAATAAGGTTAAGTACCAATTCTGCCGACAAAGGCAGTAAAGTTGATACAAGTGGCAT-3'
Protein context (NP_000332.2, residues 608-628): HNMISGLPAK[Met618Thr]RIRLSTNSAD

ClinVar aggregate classification (germline): Likely pathogenic (1 of 4 stars; one submission).

Conditions:
Cystinuria (CSNU). Also called: CYSTINURIA, TYPE I; CYSTINURIA, TYPE II; CYSTINURIA, TYPE III; Cystinuria, non-type I. Identifiers: Orphanet 214, MedGen C0010691, MONDO:0009067, OMIM 220100, HP:0003131.

gnomAD v4.1: 2 of 1,614,114 alleles (0.00012%); highest among the groups gnomAD compares: Non-Finnish European, 0.000085%; no homozygotes.

Submission:

Rare Kidney Stone Consortium and the Mayo Clinic Hyperoxaluria Center, Mayo Clinic
Classification: Likely pathogenic for Cystinuria. Last evaluated: 2025-10-03. Review status: criteria provided, single submitter. Criteria: ACMG Guidelines, 2015. Collection method: research. Allele origin: germline. Affected: yes. Observed: 1 variant allele.
Comment: ACMG:PM1, PM2, PM6, PP4

Literature cited by the submitters: PubMed 40794449.